The following is an entry in ClinVar:

NM_006790.3(MYOT):c.1323G>A (p.Thr441=)

Genes: PKD2L2-DT (PKD2L2 divergent transcript; minus strand), MYOT (myotilin; plus strand). Cytogenetic location: 5q31.2.
Variant type: single nucleotide variant.
Coding change: c.1323G>A on transcript NM_006790.3 (MANE Select); coding-DNA position 1323, G replaced by A.
Protein change: p.Thr441=; no amino-acid change (threonine 441 retained).
Molecular consequence: synonymous variant.
Genome position (GRCh38, 1-based): chr5:137,886,996, G>A. VCF-style: chr5-137886996-G-A. GRCh37 (hg19) VCF-style: chr5-137222685-G-A.
Other names: c.771G>A, p.Thr257= (NM_001135940.2); c.978G>A, p.Thr326= (NM_001300911.2).
Identifiers: ClinVar variation 2041646 (VCV002041646.4), dbSNP rs926078398, ClinGen allele CA128108124.
Genomic context (GRCh38, chr5:137,886,996, plus strand): 5'-TACTGTGTCAGCAGTTAATGAAGCTGGAGTGACTACATGTAACACAAGATTAGACGTTAC[G>A]GGTATGTCATACTATTAACCAAAGTATTATAAGGGATTTAACTAGGAAGATTTAATAAGA-3'
Protein context (NP_006781.1, residues 431-451): VTTCNTRLDV[Thr441=]ARPNQTLPAP

ClinVar aggregate classification (germline): Uncertain significance (1 of 4 stars; one submission).

Conditions:
Myofibrillar myopathy 3 (MFM3). Also called: Muscular dystrophy, proximal, type 1A; Autosomal dominant spheroid body myopathy. Identifiers: Orphanet 266, Orphanet 268129, MedGen C3714934, MONDO:0012215, OMIM 609200.

Allele frequency attached by ClinVar (database versions not stated): TOPMed 0.00001; gnomAD exomes 0.00002.

Submission:

Labcorp Genetics (formerly Invitae), Labcorp
Classification: Uncertain significance for Myofibrillar myopathy 3. Last evaluated: 2022-09-06. Review status: criteria provided, single submitter. Criteria: Invitae Variant Classification Sherloc (09022015). Collection method: clinical testing. Allele origin: germline.
Comment: In summary, the available evidence is currently insufficient to determine the role of this variant in disease. Therefore, it has been classified as a Variant of Uncertain Significance. Algorithms developed to predict the effect of sequence changes on RNA splicing suggest that this variant is not likely to affect RNA splicing. This variant has not been reported in the literature in individuals affected with MYOT-related conditions. This variant is present in population databases (no rsID available, gnomAD 0.004%). This sequence change affects codon 441 of the MYOT mRNA. It is a 'silent' change, meaning that it does not change the encoded amino acid sequence of the MYOT protein. It affects a nucleotide within the consensus splice site.